The following is an entry in ClinVar:

NM_020638.3(FGF23):c.383A>G (p.His128Arg)

Gene: FGF23 (fibroblast growth factor 23; minus strand). Cytogenetic location: 12p13.32.
Variant type: single nucleotide variant.
Coding change: c.383A>G on transcript NM_020638.3 (MANE Select); coding-DNA position 383, A replaced by G.
Protein change: p.His128Arg; replaces histidine 128 with arginine.
Molecular consequence: missense variant.
Genome position (GRCh38, 1-based): chr12:4,370,716, T>C on the plus strand (A>G on the coding strand, the complement: FGF23 is on the minus strand). VCF-style: chr12-4370716-T-C. GRCh37 (hg19) VCF-style: chr12-4479882-T-C.
Other names: c.383A>G (NM_020638.2); short protein forms H128R.
Identifiers: ClinVar variation 2071128 (VCV002071128.5), dbSNP rs755798441, ClinGen allele CA6395692.
Genomic context (GRCh38, chr12:4,370,716, plus strand): 5'-CCTGGCAGGAAGGCTCTCTTCGCCCGGCCCAGACTGACCAGGAAGTGATACTGAGGAGAG[T>C]GGTAGACGTCGTACCCGTTTTCCAGCGTCTGGTGTTGGAACCTGCAGTTCTCCGGGTCGA-3'
Protein context (NP_065689.1, residues 118-138): QTLENGYDVY[His128Arg]SPQYHFLVSL

ClinVar aggregate classification (germline): Uncertain significance. Review status: criteria provided, multiple submitters, no conflicts (2 of 4 stars). 2 submissions from 2 submitters: Uncertain significance (2). Last evaluated 2022-08-24.

Allele frequency attached by ClinVar (database versions not stated): TOPMed below 0.00001; ExAC 0.00001.
gnomAD v4.1: 20 of 1,613,628 alleles (0.0012%); highest among the groups gnomAD compares: Non-Finnish European, 0.0017%; no homozygotes.

Submissions (2):

GeneDx
Classification: Uncertain significance. Last evaluated: 2022-08-24. Review status: criteria provided, single submitter. Criteria: GeneDx Variant Classification Process June 2021. Collection method: clinical testing. Allele origin: germline. Affected: yes.
Comment: Not observed at significant frequency in large population cohorts (gnomAD); In silico analysis supports that this missense variant does not alter protein structure/function; Has not been previously published as pathogenic or benign to our knowledge

Labcorp Genetics (formerly Invitae), Labcorp
Classification: Uncertain significance. Last evaluated: 2022-02-24. Review status: criteria provided, single submitter. Criteria: Invitae Variant Classification Sherloc (09022015). Collection method: clinical testing. Allele origin: germline.
Comment: This sequence change replaces histidine, which is basic and polar, with arginine, which is basic and polar, at codon 128 of the FGF23 protein (p.His128Arg). This variant is not present in population databases (gnomAD no frequency). This variant has not been reported in the literature in individuals affected with FGF23-related conditions. Algorithms developed to predict the effect of missense changes on protein structure and function (SIFT, PolyPhen-2, Align-GVGD) all suggest that this variant is likely to be tolerated. In summary, the available evidence is currently insufficient to determine the role of this variant in disease. Therefore, it has been classified as a Variant of Uncertain Significance.